The following is an entry in ClinVar:

NM_001145809.2(MYH14):c.3871G>T (p.Val1291Leu)

Gene: MYH14 (myosin heavy chain 14; plus strand). Cytogenetic location: 19q13.33.
Variant type: single nucleotide variant.
Coding change: c.3871G>T on transcript NM_001145809.2 (MANE Select); coding-DNA position 3871, G replaced by T.
Protein change: p.Val1291Leu; replaces valine 1291 with leucine.
Molecular consequence: missense variant.
Genome position (GRCh38, 1-based): chr19:50,278,128, G>T. VCF-style: chr19-50278128-G-T. GRCh37 (hg19) VCF-style: chr19-50781385-G-T.
Other names: c.3871G>T (NM_001145809.1); c.3772G>T, p.Val1258Leu (NM_001077186.2); c.3748G>T, p.Val1250Leu (NM_024729.4); short protein forms V1291L, V1250L, V1258L.
Identifiers: ClinVar variation 329935 (VCV000329935.54), dbSNP rs202242879, ClinGen allele CA9593357.

ClinVar aggregate classification (germline): Benign/Likely benign. Review status: criteria provided, multiple submitters, no conflicts (2 of 4 stars). 7 submissions from 7 submitters: Benign (2); Likely benign (4). 1 of the submissions does not count toward it. Last evaluated 2026-06-01.

Conditions:
MYH14-related disorder. Also called: MYH14-related condition.
Autosomal dominant nonsyndromic hearing loss 4A. Also called: Deafness, autosomal dominant 4A. Identifiers: Orphanet 90635, MedGen C1833503, MONDO:0010915, OMIM 600652.

Allele frequency attached by ClinVar (database versions not stated): gnomAD 0.00024 and 0.00033; TOPMed 0.00034; 1000 Genomes Project 30x 0.00047; 1000 Genomes Project 0.00060; ESP Exome Variant Server 0.00072; ExAC 0.00086.
gnomAD v4.1: 757 of 1,602,160 alleles (0.047%); highest among the groups gnomAD compares: South Asian, 0.43%; 10 homozygotes.

Submissions (7):

CeGaT Center for Human Genetics Tuebingen
Classification: Likely benign. Last evaluated: 2026-06-01. Review status: criteria provided, single submitter. Criteria: CeGaT Center For Human Genetics Tuebingen Variant Classification Criteria Version 2. Collection method: clinical testing. Allele origin: germline. Affected: yes. Observed: 5 variant alleles.
Comment: MYH14: BS1

Labcorp Genetics (formerly Invitae), Labcorp
Classification: Benign. Last evaluated: 2025-10-27. Review status: criteria provided, single submitter. Criteria: Invitae Variant Classification Sherloc (09022015). Collection method: clinical testing. Allele origin: germline.

Mayo Clinic Laboratories, Mayo Clinic
Classification: Benign. Last evaluated: 2023-11-03. Review status: criteria provided, single submitter. Criteria: ACMG Guidelines, 2015. Collection method: clinical testing. Allele origin: germline. Observed: 2 variant alleles.
Comment: BS1, BS2, BP4

GeneDx
Classification: Likely benign. Last evaluated: 2021-03-30. Review status: criteria provided, single submitter. Criteria: GeneDx Variant Classification Process June 2021. Collection method: clinical testing. Allele origin: germline. Affected: yes.

Illumina Laboratory Services, Illumina
Classification: Likely benign for Autosomal dominant nonsyndromic hearing loss 4A. Last evaluated: 2018-01-13. Review status: criteria provided, single submitter. Criteria: ICSL Variant Classification Criteria 13 December 2019. Collection method: clinical testing. Allele origin: germline.
Comment: This variant was observed in the ICSL laboratory as part of a predisposition screen in an ostensibly healthy population. It had not been previously curated by ICSL or reported in the Human Gene Mutation Database (HGMD: prior to June 1st, 2018), and was therefore a candidate for classification through an automated scoring system. Utilizing variant allele frequency, disease prevalence and penetrance estimates, and inheritance mode, an automated score was calculated to assess if this variant is too frequent to cause the disease. Based on the score and internal cut-off values, a variant classified as likely benign is not then subjected to further curation. The score for this variant resulted in a classification of likely benign for this disease.

ARUP Laboratories, Molecular Genetics and Genomics, ARUP Laboratories
Classification: Likely benign. Last evaluated: 2017-07-14. Review status: criteria provided, single submitter. Criteria: ARUP Molecular Germline Variant Investigation Process. Collection method: clinical testing. Allele origin: germline.
Comment: The p.Val1250Leu variant (rs202242879) has not been reported in the medical literature, however it has been reported to ClinVar (Variation ID: 329935). This variant is listed in the Genome Aggregation Database (gnomAD) with a frequency in the South Asian population of 0.4 percent (identified on 129 out of 30,394 chromosomes, including 4 homozygotes). The valine at position 1250 is highly conserved considering seven species; however, the physiochemical change to leucine is subtle and unlikely to be disruptive to protein function (Alamut v2.9.0). Altogether, the p.Val1250Leu variant is likely to be benign.

PreventionGenetics, part of Exact Sciences
Classification: Benign for MYH14-related condition. Last evaluated: 2024-06-11. Review status: no assertion criteria provided. Collection method: clinical testing. Allele origin: germline. Not counted in ClinVar's aggregate classification.
Comment: This variant is classified as benign based on ACMG/AMP sequence variant interpretation guidelines (Richards et al. 2015 PMID: 25741868, with internal and published modifications).

Literature cited by the submitters: PubMed 34193129 (cited by Mayo Clinic Laboratories, Mayo Clinic).